The following is an entry in ClinVar:

NM_005236.3(ERCC4):c.1912_1913delinsTT (p.Ala638Leu)

Gene: ERCC4 (ERCC excision repair 4, endonuclease catalytic subunit; plus strand). Cytogenetic location: 16p13.12.
Variant type: Indel.
Coding change: c.1912_1913delinsTT on transcript NM_005236.3 (MANE Select); coding-DNA positions 1912 to 1913, GC replaced by TT.
Protein change: p.Ala638Leu; replaces alanine 638 with leucine.
Molecular consequence: missense variant.
Genome position (GRCh38, 1-based): chr16:13,944,730-13,944,731, GC replaced by TT. VCF-style: chr16-13944730-GC-TT. GRCh37 (hg19) VCF-style: chr16-14038587-GC-TT.
Other names: short protein forms A638L.
Identifiers: ClinVar variation 3750970 (VCV003750970.2).

ClinVar aggregate classification (germline): Uncertain significance (1 of 4 stars; one submission).

Conditions:
Cockayne syndrome. Identifiers: Orphanet 191, MedGen C0009207, MONDO:0016006.
Fanconi anemia complementation group Q. Identifiers: Orphanet 84, MedGen C3808988, MONDO:0014108, OMIM 615272.
Xeroderma pigmentosum, group F (XPF). Also called: ERCC4-Related Xeroderma Pigmentosum; XERODERMA PIGMENTOSUM, TYPE F; Xeroderma pigmentosum, type 6; XERODERMA PIGMENTOSUM, COMPLEMENTATION GROUP F; XERODERMA PIGMENTOSUM VI; XP, GROUP F. Identifiers: MedGen C0268140, MONDO:0010215, OMIM 278760.

Submission:

Labcorp Genetics (formerly Invitae), Labcorp
Classification: Uncertain significance for Fanconi anemia complementation group Q; Xeroderma pigmentosum, group F; Cockayne syndrome. Last evaluated: 2024-04-09. Review status: criteria provided, single submitter. Criteria: Invitae Variant Classification Sherloc (09022015). Collection method: clinical testing. Allele origin: germline.
Comment: This sequence change replaces alanine, which is neutral and non-polar, with leucine, which is neutral and non-polar, at codon 638 of the ERCC4 protein (p.Ala638Leu). Information on the frequency of this variant in the gnomAD database is not available, as this variant may be reported differently in the database. This variant has not been reported in the literature in individuals affected with ERCC4-related conditions. An algorithm developed to predict the effect of missense changes on protein structure and function (PolyPhen-2) suggests that this variant is likely to be disruptive. In summary, the available evidence is currently insufficient to determine the role of this variant in disease. Therefore, it has been classified as a Variant of Uncertain Significance.